The following is an entry in ClinVar:

ClinVar aggregate classification (germline): Benign. Review status: criteria provided, multiple submitters, no conflicts (2 of 4 stars). 3 submissions from 3 submitters: Benign (3). Last evaluated 2021-08-19.

Conditions:
Zimmermann-Laband syndrome 3. Identifiers: MedGen C5231447, MONDO:0032854, OMIM 618658.

Allele frequency attached by ClinVar (database versions not stated): 1000 Genomes Project 30x 0.53482; 1000 Genomes Project 0.53534; TOPMed 0.55723; ESP Exome Variant Server 0.58158.
gnomAD v4.1: 951,243 of 1,613,672 alleles (59%); highest among the groups gnomAD compares: Middle Eastern, 67%; 282,116 homozygotes.

Submissions (3):

Genome-Nilou Lab
Classification: Benign for Zimmermann-Laband syndrome 3. Last evaluated: 2021-08-19. Review status: criteria provided, single submitter. Criteria: ACMG Guidelines, 2015. Collection method: clinical testing. Allele origin: germline. Affected: no.

Laboratory for Molecular Medicine, Mass General Brigham Personalized Medicine
Classification: Benign. Last evaluated: 2016-03-28. Review status: criteria provided, single submitter. Criteria: LMM Criteria. Collection method: clinical testing. Allele origin: germline.
Comment: Variant identified in a genome or exome case(s) and assessed due to predicted null impact of the variant or pathogenic assertions in the literature or databases. Disclaimer: This variant has not undergone full assessment. The following are preliminary notes: Frequency

Breakthrough Genomics
Classification: Benign. Review status: criteria provided, single submitter. Criteria: ACMG Guidelines, 2015. Collection method: not provided. Allele origin: germline. Inheritance: Autosomal dominant inheritance. Affected: yes.

NM_002249.6(KCNN3):c.1092G>C (p.Leu364=)

Gene: KCNN3 (potassium calcium-activated channel subfamily N member 3; minus strand). Cytogenetic location: 1q21.3.
Variant type: single nucleotide variant.
Coding change: c.1092G>C on transcript NM_002249.6 (MANE Select); coding-DNA position 1092, G replaced by C.
Protein change: p.Leu364=; no amino-acid change (leucine 364 retained).
Molecular consequence: synonymous variant.
Genome position (GRCh38, 1-based): chr1:154,772,331, C>G on the plus strand (G>C on the coding strand, the complement: KCNN3 is on the minus strand). VCF-style: chr1-154772331-C-G. GRCh37 (hg19) VCF-style: chr1-154744807-C-G.
Other names: c.1092G>C, p.Leu364= (NM_001204087.2); c.153G>C, p.Leu51= (NM_001365837.1, NM_001365838.1); c.177G>C, p.Leu59= (NM_170782.3).
Identifiers: ClinVar variation 403001 (VCV000403001.7), dbSNP rs1051614, ClinGen allele CA1132133.